The following is an entry in ClinVar:

NM_003114.5(SPAG1):c.208C>G (p.Pro70Ala)

Gene: SPAG1 (sperm associated antigen 1; plus strand). Cytogenetic location: 8q22.2.
Variant type: single nucleotide variant.
Coding change: c.208C>G on transcript NM_003114.5 (MANE Select); coding-DNA position 208, C replaced by G.
Protein change: p.Pro70Ala; replaces proline 70 with alanine.
Molecular consequence: missense variant.
Genome position (GRCh38, 1-based): chr8:100,165,881, C>G. VCF-style: chr8-100165881-C-G. GRCh37 (hg19) VCF-style: chr8-101178109-C-G.
Other names: c.208C>G, p.Pro70Ala (NM_001374321.1, NM_172218.3); short protein forms P70A.
Identifiers: ClinVar variation 977585 (VCV000977585.6), dbSNP rs1468747674, ClinGen allele CA371819696.

ClinVar aggregate classification (germline): Uncertain significance. Review status: criteria provided, multiple submitters, no conflicts (2 of 4 stars). 2 submissions from 2 submitters: Uncertain significance (2). Last evaluated 2022-04-22.

Conditions:
Primary ciliary dyskinesia 28. Also called: CILIARY DYSKINESIA, PRIMARY, 28, WITH OR WITHOUT SITUS INVERSUS. Identifiers: Orphanet 244, MedGen C3809706, MONDO:0014216, OMIM 615505.
Primary ciliary dyskinesia. Also called: Ciliary dyskinesia. Identifiers: Orphanet 244, MedGen C0008780, MONDO:0016575, HP:0012265.

Allele frequency attached by ClinVar (database versions not stated): gnomAD exomes below 0.00001 and 0.00001; gnomAD 0.00001; TOPMed 0.00001.
gnomAD v4.1: 4 of 1,613,964 alleles (0.00025%); highest among the groups gnomAD compares: Admixed American, 0.005%; no homozygotes.

Submissions (2):

Labcorp Genetics (formerly Invitae), Labcorp
Classification: Uncertain significance for Primary ciliary dyskinesia 28. Last evaluated: 2022-04-22. Review status: criteria provided, single submitter. Criteria: Invitae Variant Classification Sherloc (09022015). Collection method: clinical testing. Allele origin: germline.
Comment: In summary, the available evidence is currently insufficient to determine the role of this variant in disease. Therefore, it has been classified as a Variant of Uncertain Significance. Algorithms developed to predict the effect of missense changes on protein structure and function are either unavailable or do not agree on the potential impact of this missense change (SIFT: "Deleterious"; PolyPhen-2: "Probably Damaging"; Align-GVGD: "Class C0"). ClinVar contains an entry for this variant (Variation ID: 977585). This variant has not been reported in the literature in individuals affected with SPAG1-related conditions. This variant is present in population databases (no rsID available, gnomAD 0.009%). This sequence change replaces proline, which is neutral and non-polar, with alanine, which is neutral and non-polar, at codon 70 of the SPAG1 protein (p.Pro70Ala).

UNC Molecular Genetics  Laboratory, University of North Carolina at Chapel Hill
Classification: Uncertain significance for Primary ciliary dyskinesia. Last evaluated: 2019-03-13. Review status: criteria provided, single submitter. Criteria: ACMG Guidelines, 2015. Collection method: clinical testing. Allele origin: germline. Observed: 1 heterozygote.